The following is an entry in ClinVar:

NM_015338.6(ASXL1):c.2402A>T (p.Glu801Val)

Gene: ASXL1 (ASXL transcriptional regulator 1; plus strand). Cytogenetic location: 20q11.21.
Variant type: single nucleotide variant.
Coding change: c.2402A>T on transcript NM_015338.6 (MANE Select); coding-DNA position 2402, A replaced by T.
Protein change: p.Glu801Val; replaces glutamic acid 801 with valine.
Molecular consequence: missense variant.
Genome position (GRCh38, 1-based): chr20:32,435,114, A>T. VCF-style: chr20-32435114-A-T. GRCh37 (hg19) VCF-style: chr20-31022917-A-T.
Other names: c.2219A>T, p.Glu740Val (NM_001363734.1); short protein forms E740V, E801V.
Identifiers: ClinVar variation 3791607 (VCV003791607.1).

ClinVar aggregate classification (germline): Uncertain significance (1 of 4 stars; one submission).

Conditions:
Inborn genetic diseases. Identifiers: MedGen C0950123, MeSH D030342.

gnomAD v4.1: 3 of 1,613,964 alleles (0.00019%); highest among the groups gnomAD compares: Non-Finnish European, 0.00025%; no homozygotes.

Submission:

Ambry Genetics
Classification: Uncertain significance for Inborn genetic diseases. Last evaluated: 2024-12-22. Review status: criteria provided, single submitter. Criteria: Ambry Variant Classification Scheme 2023. Collection method: clinical testing. Allele origin: germline.
Comment: The p.E801V variant (also known as c.2402A>T), located in coding exon 13 of the ASXL1 gene, results from an A to T substitution at nucleotide position 2402. The glutamic acid at codon 801 is replaced by valine, an amino acid with dissimilar properties. This amino acid position is conserved. In addition, this alteration is predicted to be tolerated by in silico analysis. Based on the available evidence, the clinical significance of this variant remains unclear.